The following is an entry in ClinVar:

ClinVar aggregate classification (germline): Uncertain significance. Review status: criteria provided, multiple submitters, no conflicts (2 of 4 stars). 2 submissions from 2 submitters: Uncertain significance (2). Last evaluated 2026-02-25.

Conditions:
Hereditary cancer-predisposing syndrome. Also called: Neoplastic Syndromes, Hereditary; Tumor predisposition; Hereditary Cancer Syndrome; Hereditary neoplastic syndrome. Identifiers: Orphanet 140162, MedGen C0027672, MeSH D009386, MONDO:0015356.
Familial adenomatous polyposis 1 (FAP1). Also called: FAMILIAL ADENOMATOUS POLYPOSIS 1, ATTENUATED; POLYPOSIS, ADENOMATOUS INTESTINAL. Identifiers: MedGen C2713442, MONDO:0021056, OMIM 175100. Disease mechanism: loss of function.

Allele frequency attached by ClinVar (database versions not stated): gnomAD exomes below 0.00001.
gnomAD v4.1: 3 of 1,614,086 alleles (0.00019%); highest among the groups gnomAD compares: South Asian, 0.0033%; no homozygotes.

Submissions (2):

Ambry Genetics
Classification: Uncertain significance for Hereditary cancer-predisposing syndrome. Last evaluated: 2026-02-25. Review status: criteria provided, single submitter. Criteria: Ambry Variant Classification Scheme 2023. Collection method: clinical testing. Allele origin: germline.
Comment: The p.A630V variant (also known as c.1889C>T), located in coding exon 14 of the APC gene, results from a C to T substitution at nucleotide position 1889. The alanine at codon 630 is replaced by valine, an amino acid with similar properties. This amino acid position is conserved. In addition, in silico predictors for this gene do not accurately predict pathogenicity. Based on the available evidence, the clinical significance of this variant remains unclear.

Labcorp Genetics (formerly Invitae), Labcorp
Classification: Uncertain significance for Familial adenomatous polyposis 1. Last evaluated: 2025-02-19. Review status: criteria provided, single submitter. Criteria: Invitae Variant Classification Sherloc (09022015). Collection method: clinical testing. Allele origin: germline.
Comment: This sequence change replaces alanine, which is neutral and non-polar, with valine, which is neutral and non-polar, at codon 630 of the APC protein (p.Ala630Val). This variant is present in population databases (no rsID available, gnomAD 0.003%). This variant has not been reported in the literature in individuals affected with APC-related conditions. ClinVar contains an entry for this variant (Variation ID: 2115920). Invitae Evidence Modeling of protein sequence and biophysical properties (such as structural, functional, and spatial information, amino acid conservation, physicochemical variation, residue mobility, and thermodynamic stability) indicates that this missense variant is not expected to disrupt APC protein function with a negative predictive value of 95%. In summary, the available evidence is currently insufficient to determine the role of this variant in disease. Therefore, it has been classified as a Variant of Uncertain Significance.

NM_000038.6(APC):c.1889C>T (p.Ala630Val)

Gene: APC (APC regulator of Wnt signaling pathway; plus strand). Cytogenetic location: 5q22.2.
Variant type: single nucleotide variant.
Coding change: c.1889C>T on transcript NM_000038.6 (MANE Select); coding-DNA position 1889, C replaced by T.
Protein change: p.Ala630Val; replaces alanine 630 with valine.
Molecular consequence: missense variant.
Genome position (GRCh38, 1-based): chr5:112,835,096, C>T. VCF-style: chr5-112835096-C-T. GRCh37 (hg19) VCF-style: chr5-112170793-C-T.
Other names: c.1040C>T, p.Ala347Val (NM_001354906.2, NM_001407470.1); c.1973C>T, p.Ala658Val (NM_001407446.1); c.1943C>T, p.Ala648Val (NM_001407447.1, NM_001407448.1, NM_001407449.1 and 1 more transcripts); c.1889C>T, p.Ala630Val (NM_001407450.1, NM_001127510.3, NM_001354895.2); c.1868C>T, p.Ala623Val (NM_001407451.1); c.1859C>T, p.Ala620Val (NM_001407452.1); c.1712C>T, p.Ala571Val (NM_001407453.1, NM_001354901.2); c.1640C>T, p.Ala547Val (NM_001407454.1, NM_001407455.1, NM_001407456.1 and 1 more transcripts); and 12 more; short protein forms A539V, A547V, A602V, A630V, A612V, A623V, A470V, A501V.
Identifiers: ClinVar variation 2115920 (VCV002115920.5), dbSNP rs1350471118, ClinGen allele CA16025451.
Genomic context (GRCh38, chr5:112,835,096, plus strand): 5'-ATGGTGCACTTGCATTTTTGGTTGGCACTCTTACTTACCGGAGCCAGACAAACACTTTAG[C>T]CATTATTGAAAGTGGAGGTGGGATATTACGGAATGTGTCCAGCTTGATAGCTACAAATGA-3'
Protein context (NP_000029.2, residues 620-640): LTYRSQTNTL[Ala630Val]IIESGGGILR